The following is an entry in ClinVar:

NM_001329943.3(KIAA0586):c.2786T>C (p.Ile929Thr)

Gene: KIAA0586 (KIAA0586; plus strand). Cytogenetic location: 14q23.1.
Variant type: single nucleotide variant.
Coding change: c.2786T>C on transcript NM_001329943.3 (MANE Select); coding-DNA position 2786, T replaced by C.
Protein change: p.Ile929Thr; replaces isoleucine 929 with threonine.
Molecular consequence: missense variant.
Genome position (GRCh38, 1-based): chr14:58,474,758, T>C. VCF-style: chr14-58474758-T-C. GRCh37 (hg19) VCF-style: chr14-58941476-T-C.
Other names: c.2945T>C, p.Ile982Thr (NM_001244189.2); c.2741T>C, p.Ile914Thr (NM_001244190.2); c.2531T>C, p.Ile844Thr (NM_001244191.2, NM_001329945.2, NM_001364700.1 and 1 more transcripts); c.2654T>C, p.Ile885Thr (NM_001244192.2); c.2366T>C, p.Ile789Thr (NM_001244193.2); c.2786T>C, p.Ile929Thr (NM_001329944.2, NM_001329946.2, NM_001329947.2); c.2558T>C, p.Ile853Thr (NM_014749.5); short protein forms I844T, I853T, I914T, I929T, I982T, I789T, I885T.
Identifiers: ClinVar variation 2145011 (VCV002145011.4), dbSNP rs961404615, ClinGen allele CA261641088.
Genomic context (GRCh38, chr14:58,474,758, plus strand): 5'-CTCCATTTCCGCCAGTTGCTTCTACTTTTCAGCCCACTGCTGATATTCTGGATAAAGTAA[T>C]TGAGAGAAAAGAAACACTGGAAAATAGCTTAATTCAATGGTAAGTTTATAATGTTTTTGG-3'
Protein context (NP_001316872.1, residues 919-939): QPTADILDKV[Ile929Thr]ERKETLENSL

ClinVar aggregate classification (germline): Uncertain significance (1 of 4 stars; one submission).

Conditions:
Joubert syndrome 23 (JBTS23). Identifiers: Orphanet 475, MedGen C4084822, MONDO:0014664, OMIM 616490.
Short-rib thoracic dysplasia 14 with polydactyly (SRTD14). Identifiers: Orphanet 397715, MedGen C4225286, MONDO:0014688, OMIM 616546.

Allele frequency attached by ClinVar (database versions not stated): TOPMed below 0.00001.

Submission:

Labcorp Genetics (formerly Invitae), Labcorp
Classification: Uncertain significance for Joubert syndrome 23; Short-rib thoracic dysplasia 14 with polydactyly. Last evaluated: 2022-07-01. Review status: criteria provided, single submitter. Criteria: Invitae Variant Classification Sherloc (09022015). Collection method: clinical testing. Allele origin: germline.
Comment: In summary, the available evidence is currently insufficient to determine the role of this variant in disease. Therefore, it has been classified as a Variant of Uncertain Significance. Algorithms developed to predict the effect of missense changes on protein structure and function are either unavailable or do not agree on the potential impact of this missense change (SIFT: "Deleterious"; PolyPhen-2: "Probably Damaging"; Align-GVGD: "Class C0"). This variant has not been reported in the literature in individuals affected with KIAA0586-related conditions. This variant is not present in population databases (gnomAD no frequency). This sequence change replaces isoleucine, which is neutral and non-polar, with threonine, which is neutral and polar, at codon 982 of the KIAA0586 protein (p.Ile982Thr).